The following is an entry in ClinVar:

NM_000062.3(SERPING1):c.1384A>G (p.Ile462Val)

Gene: SERPING1 (serpin family G member 1; plus strand). Cytogenetic location: 11q12.1.
Variant type: single nucleotide variant.
Coding change: c.1384A>G on transcript NM_000062.3 (MANE Select); coding-DNA position 1384, A replaced by G.
Protein change: p.Ile462Val; replaces isoleucine 462 with valine.
Molecular consequence: missense variant.
Genome position (GRCh38, 1-based): chr11:57,614,462, A>G. VCF-style: chr11-57614462-A-G. GRCh37 (hg19) VCF-style: chr11-57381935-A-G.
Other names: c.1384A>G, p.Ile462Val (NM_001032295.2); short protein forms I462V.
Identifiers: ClinVar variation 3011192 (VCV003011192.3), dbSNP rs760216714, ClinGen allele CA380690719.

ClinVar aggregate classification (germline): Uncertain significance (1 of 4 stars; one submission).

Submission:

Labcorp Genetics (formerly Invitae), Labcorp
Classification: Uncertain significance. Last evaluated: 2023-06-25. Review status: criteria provided, single submitter. Criteria: Invitae Variant Classification Sherloc (09022015). Collection method: clinical testing. Allele origin: germline.
Comment: This variant is not present in population databases (gnomAD no frequency). In summary, the available evidence is currently insufficient to determine the role of this variant in disease. Therefore, it has been classified as a Variant of Uncertain Significance. This variant disrupts the p.Ile246 amino acid residue in SERPING1. Other variant(s) that disrupt this residue have been determined to be pathogenic (PMID: 17137866). This suggests that this residue is clinically significant, and that variants that disrupt this residue are likely to be disease-causing. Algorithms developed to predict the effect of missense changes on protein structure and function output the following: SIFT: "Not Available"; PolyPhen-2: "Benign"; Align-GVGD: "Not Available". The valine amino acid residue is found in multiple mammalian species, which suggests that this missense change does not adversely affect protein function. This variant has not been reported in the literature in individuals affected with SERPING1-related conditions. This sequence change replaces isoleucine, which is neutral and non-polar, with valine, which is neutral and non-polar, at codon 462 of the SERPING1 protein (p.Ile462Val).

Literature cited by the submitters: PubMed 17137866.